The following is an entry in ClinVar:

ClinVar aggregate classification (germline): Uncertain significance (1 of 4 stars; one submission).

gnomAD v4.1: 1 of 1,612,870 alleles (0.000062%); highest among the groups gnomAD compares: Non-Finnish European, 0.000085%; no homozygotes.

Submission:

Labcorp Genetics (formerly Invitae), Labcorp
Classification: Uncertain significance. Last evaluated: 2025-08-06. Review status: criteria provided, single submitter. Criteria: Invitae Variant Classification Sherloc (09022015). Collection method: clinical testing. Allele origin: germline.
Comment: This sequence change falls in intron 26 of the COL11A1 gene. It does not directly change the encoded amino acid sequence of the COL11A1 protein. This variant is present in population databases (rs765366510, gnomAD 0.0009%). This variant has not been reported in the literature in individuals affected with COL11A1-related conditions. Algorithms developed to predict the effect of sequence changes on RNA splicing suggest that this variant may disrupt the consensus splice site. In summary, the available evidence is currently insufficient to determine the role of this variant in disease. Therefore, it has been classified as a Variant of Uncertain Significance.

NM_001854.4(COL11A1):c.2242-10T>C

Gene: COL11A1 (collagen type XI alpha 1 chain; minus strand). Cytogenetic location: 1p21.1.
Variant type: single nucleotide variant.
Coding change: c.2242-10T>C on transcript NM_001854.4 (MANE Select); 10 bases into the intron before coding-DNA position 2242, T replaced by C.
Molecular consequence: intron variant.
Genome position (GRCh38, 1-based): chr1:102,996,052, A>G on the plus strand (T>C on the coding strand, the complement: COL11A1 is on the minus strand). VCF-style: chr1-102996052-A-G. GRCh37 (hg19) VCF-style: chr1-103461608-A-G.
Other names: c.2125-10T>C (NM_001190709.2); c.2278-10T>C (NM_080629.3); c.1894-10T>C (NM_080630.4).
Identifiers: ClinVar variation 4724942 (VCV004724942.1).